The following is an entry in ClinVar:

ClinVar aggregate classification (germline): Likely pathogenic. Review status: criteria provided, single submitter (1 of 4 stars). 2 submissions from 2 submitters: Likely pathogenic (1). 1 of the submissions does not count toward it. Last evaluated 2024-05-29.

Conditions:
FRONTOTEMPORAL DEMENTIA WITHOUT AMYOTROPHIC LATERAL SCLEROSIS 6, WITH NEUROFIBRILLARY TANGLES.

Submissions (2):

GeneDx
Classification: Likely pathogenic. Last evaluated: 2024-05-29. Review status: criteria provided, single submitter. Criteria: GeneDx Variant Classification Process June 2021. Collection method: clinical testing. Allele origin: germline. Affected: yes.
Comment: In vitro functional studies and mouse model data demonstrate that D395G reduces ATPase activity and disrupts VCP function through a dominant negative effect (PMID: 33004675); Not observed at significant frequency in large population cohorts (gnomAD); In silico analysis supports that this missense variant has a deleterious effect on protein structure/function; This variant is associated with the following publications: (PMID: Qi2024[Preprint], 31914217, 33004675, 36329418)

OMIM
Classification: Pathogenic for FRONTOTEMPORAL DEMENTIA WITHOUT AMYOTROPHIC LATERAL SCLEROSIS 6, WITH NEUROFIBRILLARY TANGLES. Last evaluated: 2020-12-23. Review status: no assertion criteria provided. Collection method: literature only. Allele origin: germline. Not counted in ClinVar's aggregate classification.

Literature cited by the submitters: PubMed 33004675 (cited by OMIM).

NM_007126.5(VCP):c.1184A>G (p.Asp395Gly)

Gene: VCP (valosin containing protein; minus strand). Cytogenetic location: 9p13.3.
Variant type: single nucleotide variant.
Coding change: c.1184A>G on transcript NM_007126.5 (MANE Select); coding-DNA position 1184, A replaced by G.
Protein change: p.Asp395Gly; replaces aspartic acid 395 with glycine.
Molecular consequence: missense variant.
Genome position (GRCh38, 1-based): chr9:35,061,587, T>C on the plus strand (A>G on the coding strand, the complement: VCP is on the minus strand). VCF-style: chr9-35061587-T-C. GRCh37 (hg19) VCF-style: chr9-35061584-T-C.
Other names: c.1049A>G, p.Asp350Gly (NM_001354927.2, NM_001354928.2); c.1184A>G (NM_007126.3); short protein forms D395G, D350G.
Identifiers: ClinVar variation 989440 (VCV000989440.3), dbSNP rs1828721782, ClinGen allele CA373282926.